The following is an entry in ClinVar:

NM_005359.6(SMAD4):c.841C>T (p.Pro281Ser)

Gene: SMAD4 (SMAD family member 4; plus strand). Cytogenetic location: 18q21.2.
Variant type: single nucleotide variant.
Coding change: c.841C>T on transcript NM_005359.6 (MANE Select); coding-DNA position 841, C replaced by T.
Protein change: p.Pro281Ser; replaces proline 281 with serine.
Molecular consequence: missense variant.
Genome position (GRCh38, 1-based): chr18:51,058,393, C>T. VCF-style: chr18-51058393-C-T. GRCh37 (hg19) VCF-style: chr18-48584763-C-T.
Other names: c.841C>T (NM_005359.5); short protein forms P281S.
Identifiers: ClinVar variation 1005312 (VCV001005312.9), dbSNP rs1909902164, ClinGen allele CA402463472.

ClinVar aggregate classification (germline): Uncertain significance. Review status: criteria provided, multiple submitters, no conflicts (2 of 4 stars). 2 submissions from 2 submitters: Uncertain significance (2). Last evaluated 2024-10-30.

Conditions:
Hereditary cancer-predisposing syndrome. Also called: Hereditary neoplastic syndrome; Neoplastic Syndromes, Hereditary; Tumor predisposition; Hereditary Cancer Syndrome. Identifiers: Orphanet 140162, MedGen C0027672, MeSH D009386, MONDO:0015356.
Familial thoracic aortic aneurysm and aortic dissection (TAAD). Also called: Thoracic aortic aneurysms and dissections. Identifiers: Orphanet 91387, MedGen C4707243, MONDO:0019625.
Juvenile polyposis syndrome (JPS). Identifiers: Orphanet 2929, MedGen C0345893, MONDO:0017380, OMIM 174900.

Submissions (2):

Ambry Genetics
Classification: Uncertain significance for Hereditary cancer-predisposing syndrome; Familial thoracic aortic aneurysm and aortic dissection. Last evaluated: 2024-10-30. Review status: criteria provided, single submitter. Criteria: Ambry Variant Classification Scheme 2023. Collection method: clinical testing. Allele origin: germline.
Comment: The p.P281S variant (also known as c.841C>T), located in coding exon 6 of the SMAD4 gene, results from a C to T substitution at nucleotide position 841. The proline at codon 281 is replaced by serine, an amino acid with similar properties. This amino acid position is well conserved in available vertebrate species. In addition, this alteration is predicted to be tolerated by in silico analysis. Based on the available evidence, the clinical significance of this variant remains unclear.

Labcorp Genetics (formerly Invitae), Labcorp
Classification: Uncertain significance for Juvenile polyposis syndrome. Last evaluated: 2021-08-04. Review status: criteria provided, single submitter. Criteria: Invitae Variant Classification Sherloc (09022015). Collection method: clinical testing. Allele origin: germline.
Comment: In summary, the available evidence is currently insufficient to determine the role of this variant in disease. Therefore, it has been classified as a Variant of Uncertain Significance. Advanced modeling of protein sequence and biophysical properties (such as structural, functional, and spatial information, amino acid conservation, physicochemical variation, residue mobility, and thermodynamic stability) performed at Invitae indicates that this missense variant is not expected to disrupt SMAD4 protein function. This variant has not been reported in the literature in individuals with SMAD4-related conditions. This variant is not present in population databases (ExAC no frequency). This sequence change replaces proline with serine at codon 281 of the SMAD4 protein (p.Pro281Ser). The proline residue is moderately conserved and there is a moderate physicochemical difference between proline and serine.